The following is an entry in ClinVar:

NM_001288705.3(CSF1R):c.*4G>T

Gene: CSF1R (colony stimulating factor 1 receptor; minus strand). Cytogenetic location: 5q32.
Variant type: single nucleotide variant.
Coding change: c.*4G>T on transcript NM_001288705.3 (MANE Select); 4 bases downstream of the stop codon, G replaced by T.
Molecular consequence: 3 prime UTR variant. On other transcripts: non-coding transcript variant (2).
Genome position (GRCh38, 1-based): chr5:150,054,065, C>A on the plus strand (G>T on the coding strand, the complement: CSF1R is on the minus strand). VCF-style: chr5-150054065-C-A. GRCh37 (hg19) VCF-style: chr5-149433628-C-A.
Other names: c.*4G>T (NM_001349736.2, NM_001375320.1, NM_001375321.1 and 1 more transcripts).
Identifiers: ClinVar variation 4526214 (VCV004526214.1).

ClinVar aggregate classification (germline): Uncertain significance (1 of 4 stars; one submission).

gnomAD v4.1: 41 of 1,613,948 alleles (0.0025%); highest among the groups gnomAD compares: Non-Finnish European, 0.0032%; no homozygotes.

Submission:

Women's Health and Genetics/Laboratory Corporation of America, LabCorp
Classification: Uncertain significance. Last evaluated: 2025-07-24. Review status: criteria provided, single submitter. Criteria: LabCorp Variant Classification Summary - May 2015. Collection method: clinical testing. Allele origin: germline.
Comment: Variant summary: CSF1R c.*4G>T is located in the untranslated mRNA region downstream of the termination codon. The variant allele was found at a frequency of 8e-06 in 250834 control chromosomes. The available data on variant occurrences in the general population are insufficient to allow any conclusion about variant significance. To our knowledge, no occurrence of c.*4G>T in individuals affected with Brain Abnormalities, Neurodegeneration, And Dysosteosclerosis and no experimental evidence demonstrating its impact on protein function have been reported. No submitters have cited clinical-significance assessments for this variant to ClinVar. Based on the evidence outlined above, the variant was classified as uncertain significance.